The following is an entry in ClinVar:

ClinVar aggregate classification (germline): Likely pathogenic (1 of 4 stars; one submission).

Conditions:
Ellis-van Creveld syndrome (EVC). Also called: EVC-Related Ellis-van Creveld Syndrome; EVC2-Related Ellis-van Creveld Syndrome; MESOECTODERMAL DYSPLASIA; Chondroectodermal dysplasia. Identifiers: Orphanet 289, MedGen C0013903, MONDO:0009162, OMIM 225500.

Submission:

Myriad Genetics, Inc.
Classification: Likely pathogenic for Ellis-van Creveld syndrome. Last evaluated: 2022-03-24. Review status: criteria provided, single submitter. Criteria: Myriad Women's Health Autosomal Recessive and X-Linked Classification Criteria (2021). Collection method: clinical testing. Allele origin: unknown.
Comment: NM_153717.2(EVC):c.2436_2437delGA(K813Dfs*5) is expected to be pathogenic in the context of EVC-related Ellis-van Creveld syndrome. This variant is predicted to lead to an abnormal or absent protein product due to the creation of a premature termination codon in EVC, a gene where loss-of-function variants are known to be pathogenic. Please note: this variant was assessed in the context of healthy population screening.

NM_153717.3(EVC):c.2436_2437del (p.Lys813fs)

Gene: EVC (EvC ciliary complex subunit 1; plus strand). Cytogenetic location: 4p16.2.
Variant type: Deletion.
Coding change: c.2436_2437del on transcript NM_153717.3 (MANE Select); coding-DNA positions 2436 to 2437, 2 bases deleted (GA; older notation c.2436_2437delGA).
Protein change: p.Lys813fs; shifts the reading frame from lysine 813.
Molecular consequence: frameshift variant.
Genome position (GRCh38, 1-based): chr4:5,802,081-5,802,082, GA deleted. VCF-style (leftmost placement, unchanged base first): chr4-5802080-TGA-T. GRCh37 (hg19) VCF-style: chr4-5803807-TGA-T.
Other names: c.2436_2437del, p.Lys813fs (NM_001306090.2); short protein forms K813fs.
Identifiers: ClinVar variation 1725460 (VCV001725460.2), dbSNP rs2474508277, ClinGen allele CA2580070826.
Genomic context (GRCh38, chr4:5,802,080, plus strand): 5'-CGTATTACCAGCAAATCGGAAGGATCATGGAGGACCACGAGGAGAGAAAACTGCAGCACC[TGA>T]AGACCCTGCAGGGTACGGGACCCCCCCTCAGGGAAGCCCCAGAAGAGACTGGCAATGTGT-3'